The following is an entry in ClinVar:

ClinVar aggregate classification (germline): Likely benign (1 of 4 stars; one submission).

Conditions:
Cardiomyopathy (CMYO). Also called: Cardiomyopathies. Identifiers: Orphanet 167848, MedGen C0878544, MONDO:0004994, HP:0001638. Inheritance: Various modes of inheritance.

Allele frequency attached by ClinVar (database versions not stated): gnomAD exomes below 0.00001.
gnomAD v4.1: 1 of 1,613,046 alleles (0.000062%); highest among the groups gnomAD compares: Non-Finnish European, 0.000085%; no homozygotes.

Submission:

All of Us Research Program, National Institutes of Health
Classification: Likely benign for Cardiomyopathy. Last evaluated: 2023-04-03. Review status: criteria provided, single submitter. Criteria: ACMG Guidelines, 2015. Collection method: clinical testing. Allele origin: germline. Inheritance: Autosomal dominant inheritance. Observed: 1 variant allele, 1 heterozygote.
Comment: This study involves interpretation of variants in research participants for the purpose of population health screening. Participant phenotype was not available at the time of variant classification. Additional details can be found in publication PMID: 35346344, PMCID: PMC8962531

NM_000257.4(MYH7):c.4221T>A (p.Val1407=)

Gene: MYH7 (myosin heavy chain 7; minus strand). Cytogenetic location: 14q11.2.
Variant type: single nucleotide variant.
Coding change: c.4221T>A on transcript NM_000257.4 (MANE Select); coding-DNA position 4221, T replaced by A.
Protein change: p.Val1407=; no amino-acid change (valine 1407 retained).
Molecular consequence: synonymous variant.
Genome position (GRCh38, 1-based): chr14:23,417,635, A>T on the plus strand (T>A on the coding strand, the complement: MYH7 is on the minus strand). VCF-style: chr14-23417635-A-T. GRCh37 (hg19) VCF-style: chr14-23886844-A-T.
Other names: c.4221T>A, p.Val1407= (NM_001407004.1).
Identifiers: ClinVar variation 3070045 (VCV003070045.1), dbSNP rs1595075389, ClinGen allele CA485617893.